The following is an entry in ClinVar:

NM_021922.3(FANCE):c.740G>A (p.Ser247Asn)

Gene: FANCE (FA complementation group E; plus strand). Cytogenetic location: 6p21.31.
Variant type: single nucleotide variant.
Coding change: c.740G>A on transcript NM_021922.3 (MANE Select); coding-DNA position 740, G replaced by A.
Protein change: p.Ser247Asn; replaces serine 247 with asparagine.
Molecular consequence: missense variant.
Genome position (GRCh38, 1-based): chr6:35,456,238, G>A. VCF-style: chr6-35456238-G-A. GRCh37 (hg19) VCF-style: chr6-35424015-G-A.
Other names: short protein forms S247N.
Identifiers: ClinVar variation 1319659 (VCV001319659.4), dbSNP rs1767336620, ClinGen allele CA363773832.

ClinVar aggregate classification (germline): Uncertain significance. Review status: criteria provided, multiple submitters, no conflicts (2 of 4 stars). 2 submissions from 2 submitters: Uncertain significance (2). Last evaluated 2022-08-12.

Conditions:
Fanconi anemia complementation group E (FANCE). Also called: FANCE-Related Fanconi Anemia. Identifiers: Orphanet 84, MedGen C3160739, MONDO:0010953, OMIM 600901.

Allele frequency attached by ClinVar (database versions not stated): gnomAD exomes below 0.00001; TOPMed below 0.00001.

Submissions (2):

Labcorp Genetics (formerly Invitae), Labcorp
Classification: Uncertain significance for Fanconi anemia complementation group E. Last evaluated: 2022-08-12. Review status: criteria provided, single submitter. Criteria: Invitae Variant Classification Sherloc (09022015). Collection method: clinical testing. Allele origin: germline.
Comment: This sequence change replaces serine, which is neutral and polar, with asparagine, which is neutral and polar, at codon 247 of the FANCE protein (p.Ser247Asn). This variant is not present in population databases (gnomAD no frequency). This variant has not been reported in the literature in individuals affected with FANCE-related conditions. ClinVar contains an entry for this variant (Variation ID: 1319659). Algorithms developed to predict the effect of missense changes on protein structure and function (SIFT, PolyPhen-2, Align-GVGD) all suggest that this variant is likely to be tolerated. In summary, the available evidence is currently insufficient to determine the role of this variant in disease. Therefore, it has been classified as a Variant of Uncertain Significance.

Institute for Clinical Genetics, University Hospital TU Dresden, University Hospital TU Dresden
Classification: Uncertain significance. Last evaluated: 2021-11-03. Review status: criteria provided, single submitter. Criteria: ACMG Guidelines, 2015. Collection method: clinical testing. Allele origin: germline.